The following is an entry in ClinVar:

NM_002640.4(SERPINB8):c.850C>T (p.Arg284Ter)

Gene: SERPINB8 (serpin family B member 8; plus strand). Cytogenetic location: 18q22.1.
Variant type: single nucleotide variant.
Coding change: c.850C>T on transcript NM_002640.4 (MANE Select); coding-DNA position 850, C replaced by T.
Protein change: p.Arg284Ter; replaces arginine 284 with a stop codon.
Molecular consequence: nonsense. On other transcripts: 3 prime UTR variant (2), non-coding transcript variant (1), intron variant (1).
Genome position (GRCh38, 1-based): chr18:63,987,003, C>T. VCF-style: chr18-63987003-C-T. GRCh37 (hg19) VCF-style: chr18-61654237-C-T.
Other names: c.304C>T, p.Arg102Ter (NM_001276490.2); c.*17C>T (NM_001348368.2, NM_001348369.2); c.310C>T, p.Arg104Ter (NM_001348370.2); c.850C>T, p.Arg284Ter (NM_001366198.1, NM_198833.2); c.720+1758C>T (NM_001348367.2); short protein forms R284*, R102*, R104*.
Identifiers: ClinVar variation 254200 (VCV000254200.11), dbSNP rs144666367, ClinGen allele CA8990877.
Genomic context (GRCh38, chr18:63,987,003, plus strand): 5'-GTTCAAGTTTTCCTTCCCAGATTAAAGCTGGAGGAGAGTTATGACTTGGAGCCTTTCCTT[C>T]GAAGATTAGGAATGATCGATGCTTTTGACGAAGCCAAGGCAGACTTTTCTGGAATGTCAA-3'

ClinVar aggregate classification (germline): Conflicting classifications of pathogenicity. Review status: criteria provided, conflicting classifications (1 of 4 stars). 6 submissions from 6 submitters: Likely pathogenic (2); Uncertain significance (2). 2 of the submissions do not count toward it. Last evaluated 2026-07-06.

Conditions:
SERPINB8-related disorder. Also called: SERPINB8-related condition.
Peeling skin syndrome 5 (PSS5). Identifiers: MedGen C4310710, MONDO:0014923, OMIM 617115.

Allele frequency attached by ClinVar (database versions not stated): gnomAD 0.00037 and 0.00039; gnomAD exomes 0.00043 and 0.00061; TOPMed 0.00046; ExAC 0.00050; ESP Exome Variant Server 0.00077.
gnomAD v4.1: 729 of 1,614,170 alleles (0.045%); highest among the groups gnomAD compares: Non-Finnish European, 0.025%; 2 homozygotes.

Submissions (6):

PreventionGenetics, part of Exact Sciences
Classification: Likely pathogenic for SERPINB8-related condition. Last evaluated: 2026-07-06. Review status: criteria provided, single submitter. Criteria: ACMG Guidelines, 2015. Collection method: clinical testing. Allele origin: germline.
Comment: The SERPINB8 c.850C>T variant is predicted to result in premature protein termination (p.Arg284*). This variant has been reported in the homozygous state in three siblings of a family with exfoliative ichthyosis (Family 3 in Pigors et al. 2016. PubMed ID: 27476651). Histological analysis revealed that the presence of this variant results in disadhesion of keratinocytes in the lower epidermal layers and reduced SERPINB8 protein levels in skin cells. Additional in vitro functional studies supported its pathogenicity (Pigors et al. 2016. PubMed ID: 27476651). This variant is reported in 1.2% of alleles in individuals of Ashkenazi Jewish descent in gnomAD. Nonsense variants in SERPINB8 are expected to be pathogenic. This variant is interpreted as likely pathogenic.

Labcorp Genetics (formerly Invitae), Labcorp
Classification: Uncertain significance. Last evaluated: 2026-01-13. Review status: criteria provided, single submitter. Criteria: Invitae Variant Classification Sherloc (09022015). Collection method: clinical testing. Allele origin: germline.
Comment: This sequence change creates a premature translational stop signal (p.Arg284*) in the SERPINB8 gene. While this is not anticipated to result in nonsense mediated decay, it is expected to disrupt the last 91 amino acid(s) of the SERPINB8 protein. This variant is present in population databases (rs144666367, gnomAD 1.2%), and has an allele count higher than expected for a pathogenic variant. This premature translational stop signal has been observed in individual(s) with exfoliative ichthyosis (PMID: 27476651). It has also been observed to segregate with disease in related individuals. ClinVar contains an entry for this variant (Variation ID: 254200). In summary, the available evidence is currently insufficient to determine the role of this variant in disease. Therefore, it has been classified as a Variant of Uncertain Significance.

Revvity Omics, Revvity
Classification: Uncertain significance for Peeling skin syndrome 5. Last evaluated: 2025-07-03. Review status: criteria provided, single submitter. Criteria: ACMG Guidelines, 2015. Collection method: clinical testing. Allele origin: germline.

Department of Pathology and Laboratory Medicine, Sinai Health System
Classification: Likely pathogenic for Peeling skin syndrome 5. Last evaluated: 2023-05-09. Review status: criteria provided, single submitter. Criteria: ACMG Guidelines, 2015. Collection method: research. Allele origin: germline.

Reproductive Health Research and Development, BGI Genomics
Classification: Likely pathogenic for Peeling skin syndrome 5. Last evaluated: 2020-01-06. Review status: no assertion criteria provided. Collection method: curation. Allele origin: germline. Not counted in ClinVar's aggregate classification.
Comment: NM_002640.3:c.850C>T in the SERPINB8 gene has an allele frequency of 0.012 in Ashkenazi Jewish subpopulation in the gnomAD database. This variant is located in the last exon and may not lead to nonsense-mediated mRNA decay. It was detected in individual with autosomal recessive Peeling skin syndrome 5 in a pedigree, three homozygous c.850C>T, five carriers. And their parents are carriers (PMID: 27476651). The patient's phenotype is highly specific for SERPINB8 gene(PMID: 27476651). Taken together, we interprete this variant as Pathogenic/Likely pathogenic. ACMG/AMP criteria applied: PM3_Supporting; PP4; PP1_Strong.

OMIM
Classification: Pathogenic for PEELING SKIN SYNDROME 5. Last evaluated: 2016-09-13. Review status: no assertion criteria provided. Collection method: literature only. Allele origin: germline. Not counted in ClinVar's aggregate classification.

Literature cited by the submitters: PubMed 27476651 (cited by Labcorp Genetics (formerly Invitae), Labcorp and OMIM).